The following is an entry in ClinVar:

NM_000368.5(TSC1):c.3487C>G (p.His1163Asp)

Gene: TSC1 (TSC complex subunit 1; minus strand). Cytogenetic location: 9q34.13.
Variant type: single nucleotide variant.
Coding change: c.3487C>G on transcript NM_000368.5 (MANE Select); coding-DNA position 3487, C replaced by G.
Protein change: p.His1163Asp; replaces histidine 1163 with aspartic acid.
Molecular consequence: missense variant. On other transcripts: non-coding transcript variant (5).
Genome position (GRCh38, 1-based): chr9:132,896,243, G>C on the plus strand (C>G on the coding strand, the complement: TSC1 is on the minus strand). VCF-style: chr9-132896243-G-C. GRCh37 (hg19) VCF-style: chr9-135771630-G-C.
Other names: c.3082C>G, p.His1028Asp (NM_001406624.1); c.3079C>G, p.His1027Asp (NM_001406625.1); c.2536C>G, p.His846Asp (NM_001406626.1); c.2533C>G, p.His845Asp (NM_001406627.1, NM_001406628.1); c.2434C>G, p.His812Asp (NM_001406629.1, NM_001406630.1); c.3484C>G, p.His1162Asp (NM_001162426.2, NM_001406597.1, NM_001406598.1 and 2 more transcripts); c.3334C>G, p.His1112Asp (NM_001162427.2, NM_001406610.1); c.3124C>G, p.His1042Asp (NM_001362177.2, NM_001406614.1, NM_001406615.1 and 4 more transcripts); and 8 more; short protein forms H1027D, H1028D, H1041D, H1042D, H1097D, H1111D, H1112D, H1148D.
Identifiers: ClinVar variation 4866030 (VCV004866030.1).

ClinVar aggregate classification (germline): Uncertain significance (1 of 4 stars; one submission).

Conditions:
Hereditary cancer-predisposing syndrome. Also called: Neoplastic Syndromes, Hereditary; Tumor predisposition; Hereditary Cancer Syndrome; Hereditary neoplastic syndrome. Identifiers: Orphanet 140162, MedGen C0027672, MeSH D009386, MONDO:0015356.

Submission:

Ambry Genetics
Classification: Uncertain significance for Hereditary cancer-predisposing syndrome. Last evaluated: 2026-04-23. Review status: criteria provided, single submitter. Criteria: Ambry Variant Classification Scheme 2023. Collection method: clinical testing. Allele origin: germline.
Comment: The p.H1163D variant (also known as c.3487C>G), located in coding exon 21 of the TSC1 gene, results from a C to G substitution at nucleotide position 3487. The histidine at codon 1163 is replaced by aspartic acid, an amino acid with similar properties. This amino acid position is conserved. In addition, the in silico prediction for this alteration is inconclusive. Based on the available evidence, the clinical significance of this variant remains unclear.